The following is an entry in ClinVar:

ClinVar aggregate classification (germline): Pathogenic (1 of 4 stars; one submission).

Conditions:
Osteogenesis imperfecta type I (OI1). Also called: OI, TYPE I; OSTEOGENESIS IMPERFECTA TARDA; OSTEOGENESIS IMPERFECTA WITH BLUE SCLERAE; Osteogenesis imperfecta type 1; Classic Non-deforming Osteogenesis Imperfecta with Blue Sclerae; Lobstein's Disease. Identifiers: Orphanet 216796, Orphanet 666, MedGen C0023931, MONDO:0008146, OMIM 166200. Disease mechanism: loss of function.

Submission:

Clinical Biomedical Laboratory, Shriners Hospital For Children - Canada
Classification: Pathogenic for Osteogenesis imperfecta type I. Last evaluated: 2025-05-23. Review status: criteria provided, single submitter. Criteria: ACMG Guidelines, 2015. Collection method: clinical testing. Allele origin: germline. Affected: yes.
Comment: This variant introduces a premature stop codon in exon 26 of COL1A1. Variants that introduce a premature stop codon lead to degradation of the affected transcript and haploinsufficiency of the alpha 1 chain of collagen type I, which is a typical cause of osteogenesis imperfecta type I. In the Genome Aggregation Database (gnomAD v2.1.1) this variant is not present.

Literature cited by the submitters: PubMed 31447884.

NM_000088.4(COL1A1):c.1789G>T (p.Glu597Ter)

Gene: COL1A1 (collagen type I alpha 1 chain; minus strand). Cytogenetic location: 17q21.33.
Variant type: single nucleotide variant.
Coding change: c.1789G>T on transcript NM_000088.4 (MANE Select); coding-DNA position 1789, G replaced by T.
Protein change: p.Glu597Ter; replaces glutamic acid 597 with a stop codon.
Molecular consequence: nonsense.
Genome position (GRCh38, 1-based): chr17:50,193,026, C>A on the plus strand (G>T on the coding strand, the complement: COL1A1 is on the minus strand). VCF-style: chr17-50193026-C-A. GRCh37 (hg19) VCF-style: chr17-48270387-C-A.
Other names: short protein forms E597*.
Identifiers: ClinVar variation 3902830 (VCV003902830.1).
Genomic context (GRCh38, chr17:50,193,026, plus strand): 5'-GAGGTAGGGATGGAAAGGAGATACTTACGACAGCGCCAGGGGGTCCGGGAACACCTCGCT[C>A]TCCAGCCTTGCCGGGCTCTCCCTGTGGAGAAAGGGAGTTAGGGTTGAGGGGGCTGAAGTG-3'